The following is an entry in ClinVar:

ClinVar aggregate classification (germline): Uncertain significance (1 of 4 stars; one submission).

Conditions:
Periodontitis, aggressive. Identifiers: MedGen C0031106, MONDO:0980757.
Haim-Munk syndrome (HMS). Also called: COCHIN JEWISH DISORDER; KERATOSIS PALMOPLANTARIS WITH PERIODONTOPATHIA AND ONYCHOGRYPOSIS. Identifiers: Orphanet 2342, MedGen C1855627, MONDO:0009491, OMIM 245010.
Papillon-Lefèvre syndrome (PALS). Also called: Papillon-Lefevre Disease; KERATOSIS PALMOPLANTARIS WITH PERIODONTOPATHIA. Identifiers: Orphanet 678, MedGen C0030360, MONDO:0009490, OMIM 245000.

Allele frequency attached by ClinVar (database versions not stated): gnomAD exomes below 0.00001.
gnomAD v4.1: 1 of 1,614,098 alleles (0.000062%); highest among the groups gnomAD compares: African/African-American, 0.0013%; no homozygotes.

Submission:

Labcorp Genetics (formerly Invitae), Labcorp
Classification: Uncertain significance for Haim-Munk syndrome; Periodontitis, aggressive; Papillon-Lefèvre syndrome. Last evaluated: 2022-08-09. Review status: criteria provided, single submitter. Criteria: Invitae Variant Classification Sherloc (09022015). Collection method: clinical testing. Allele origin: germline.
Comment: This sequence change replaces proline, which is neutral and non-polar, with leucine, which is neutral and non-polar, at codon 303 of the CTSC protein (p.Pro303Leu). This variant is not present in population databases (gnomAD no frequency). This variant has not been reported in the literature in individuals affected with CTSC-related conditions. ClinVar contains an entry for this variant (Variation ID: 837698). Algorithms developed to predict the effect of missense changes on protein structure and function are either unavailable or do not agree on the potential impact of this missense change (SIFT: "Not Available"; PolyPhen-2: "Probably Damaging"; Align-GVGD: "Not Available"). Algorithms developed to predict the effect of sequence changes on RNA splicing suggest that this variant may create or strengthen a splice site. In summary, the available evidence is currently insufficient to determine the role of this variant in disease. Therefore, it has been classified as a Variant of Uncertain Significance.

NM_001814.6(CTSC):c.908C>T (p.Pro303Leu)

Gene: CTSC (cathepsin C; minus strand). Cytogenetic location: 11q14.2.
Variant type: single nucleotide variant.
Coding change: c.908C>T on transcript NM_001814.6 (MANE Select); coding-DNA position 908, C replaced by T.
Protein change: p.Pro303Leu; replaces proline 303 with leucine.
Molecular consequence: missense variant.
Genome position (GRCh38, 1-based): chr11:88,294,490, G>A on the plus strand (C>T on the coding strand, the complement: CTSC is on the minus strand). VCF-style: chr11-88294490-G-A. GRCh37 (hg19) VCF-style: chr11-88027658-G-A.
Other names: short protein forms P303L.
Identifiers: ClinVar variation 837698 (VCV000837698.7), dbSNP rs1944277352, ClinGen allele CA382022303.